The following is an entry in ClinVar:

ClinVar aggregate classification (germline): Likely benign. Review status: criteria provided, multiple submitters, no conflicts (2 of 4 stars). 2 submissions from 2 submitters: Likely benign (2). Last evaluated 2025-05-05.

Conditions:
CPS1-related disorder. Also called: CPS1-related condition.
Congenital hyperammonemia, type I. Also called: CPS I DEFICIENCY; Carbamoyl phosphate synthetase 1 deficiency; Hyperammonemia due to carbamoyl phosphate synthetase 1 deficiency; CPS 1 deficiency; Carbamyl phosphate synthetase (CPS) deficiency; Carbamoyl phosphate synthetase I deficiency disease. Identifiers: Orphanet 147, MedGen C4082171, MONDO:0009376, OMIM 237300.

Allele frequency attached by ClinVar (database versions not stated): gnomAD exomes below 0.00001 and 0.00001; ExAC 0.00001.
gnomAD v4.1: 6 of 1,612,034 alleles (0.00037%); highest among the groups gnomAD compares: Non-Finnish European, 0.00051%; no homozygotes.

Submissions (2):

PreventionGenetics, part of Exact Sciences
Classification: Likely benign for CPS1-related condition. Last evaluated: 2025-05-05. Review status: criteria provided, single submitter. Criteria: ACMG Guidelines, 2015. Collection method: clinical testing. Allele origin: germline.
Comment: This variant is classified as likely benign based on ACMG/AMP sequence variant interpretation guidelines (Richards et al. 2015 PMID: 25741868, with internal and published modifications).

Labcorp Genetics (formerly Invitae), Labcorp
Classification: Likely benign for Congenital hyperammonemia, type I. Last evaluated: 2023-12-05. Review status: criteria provided, single submitter. Criteria: Invitae Variant Classification Sherloc (09022015). Collection method: clinical testing. Allele origin: germline.

NM_001875.5(CPS1):c.1578C>T (p.Leu526=)

Gene: CPS1 (carbamoyl-phosphate synthase 1; plus strand). Cytogenetic location: 2q34.
Variant type: single nucleotide variant.
Coding change: c.1578C>T on transcript NM_001875.5 (MANE Select); coding-DNA position 1578, C replaced by T.
Protein change: p.Leu526=; no amino-acid change (leucine 526 retained).
Molecular consequence: synonymous variant. On other transcripts: non-coding transcript variant (2).
Genome position (GRCh38, 1-based): chr2:210,600,583, C>T. VCF-style: chr2-210600583-C-T. GRCh37 (hg19) VCF-style: chr2-211465307-C-T.
Other names: c.1578C>T, p.Leu526= (NM_001122633.3, NM_001369257.1); c.1611C>T, p.Leu537= (NM_001369256.1); c.1578C>T (NM_001875.4).
Identifiers: ClinVar variation 1122715 (VCV001122715.10), dbSNP rs763001072, ClinGen allele CA2086406.